The following is an entry in ClinVar:

ClinVar aggregate classification (germline): Benign/Likely benign. Review status: criteria provided, multiple submitters, no conflicts (2 of 4 stars). 12 submissions from 12 submitters: Benign (7); Likely benign (1). 4 of the submissions do not count toward it. Last evaluated 2026-02-04.

Conditions:
Lysinuric protein intolerance (LPI). Identifiers: Orphanet 470, MedGen C0268647, MONDO:0009109, OMIM 222700.

Allele frequency attached by ClinVar (database versions not stated): ESP Exome Variant Server 0.56243; gnomAD 0.57983 and 0.58210; TOPMed 0.58691; 1000 Genomes Project 30x 0.60150; gnomAD exomes 0.60362 and 0.61722; 1000 Genomes Project 0.60603; ExAC 0.60730.
gnomAD v4.1: 970,671 of 1,613,394 alleles (60%); highest among the groups gnomAD compares: East Asian, 80%; 295,149 homozygotes.

Submissions (12):

Labcorp Genetics (formerly Invitae), Labcorp
Classification: Benign for Lysinuric protein intolerance. Last evaluated: 2026-02-04. Review status: criteria provided, single submitter. Criteria: Invitae Variant Classification Sherloc (09022015). Collection method: clinical testing. Allele origin: germline.

Blueprint Genetics
Classification: Likely benign. Last evaluated: 2024-11-27. Review status: criteria provided, single submitter. Criteria: ACMG Guidelines, 2015. Collection method: clinical testing. Allele origin: germline.

Unidad de Genómica Garrahan, Hospital de Pediatría Garrahan
Classification: Benign. Last evaluated: 2024-01-24. Review status: criteria provided, single submitter. Criteria: ACMG Guidelines, 2015. Collection method: clinical testing. Allele origin: germline. Affected: no. Observed: 86 variant alleles.
Comment: This variant is classified as Benign based on local population frequency. This variant was detected in 91% of patients studied by a panel of primary immunodeficiencies. Number of patients: 86. Only high quality variants are reported.

Mayo Clinic Laboratories, Mayo Clinic
Classification: Benign. Last evaluated: 2022-09-06. Review status: criteria provided, single submitter. Criteria: ACMG Guidelines, 2015. Collection method: clinical testing. Allele origin: germline. Observed: 805 variant alleles.

Genome-Nilou Lab
Classification: Benign for Lysinuric protein intolerance. Last evaluated: 2021-07-10. Review status: criteria provided, single submitter. Criteria: ACMG Guidelines, 2015. Collection method: clinical testing. Allele origin: germline. Affected: no.

Illumina Laboratory Services, Illumina
Classification: Benign for Lysinuric protein intolerance. Last evaluated: 2018-01-12. Review status: criteria provided, single submitter. Criteria: ICSL Variant Classification Criteria 13 December 2019. Collection method: clinical testing. Allele origin: germline.
Comment: This variant was observed in the ICSL laboratory as part of a predisposition screen in an ostensibly healthy population. It had not been previously curated by ICSL or reported in the Human Gene Mutation Database (HGMD: prior to June 1st, 2018), and was therefore a candidate for classification through an automated scoring system. Utilizing variant allele frequency, disease prevalence and penetrance estimates, and inheritance mode, an automated score was calculated to assess if this variant is too frequent to cause the disease. Based on the score and internal cut-off values, a variant classified as benign is not then subjected to further curation. The score for this variant resulted in a classification of benign for this disease.

GeneDx
Classification: Benign. Last evaluated: 2013-07-25. Review status: criteria provided, single submitter. Criteria: GeneDx Variant Classification (06012015). Collection method: clinical testing. Allele origin: germline. Affected: yes.
Comment: This variant is considered likely benign or benign based on one or more of the following criteria: it is a conservative change, it occurs at a poorly conserved position in the protein, it is predicted to be benign by multiple in silico algorithms, and/or has population frequency not consistent with disease.

Breakthrough Genomics
Classification: Benign. Review status: criteria provided, single submitter. Criteria: ACMG Guidelines, 2015. Collection method: not provided. Allele origin: germline. Inheritance: Autosomal recessive inheritance. Affected: yes.

Natera, Inc.
Classification: Benign for Lysinuric protein intolerance. Last evaluated: 2020-09-16. Review status: no assertion criteria provided. Collection method: clinical testing. Allele origin: germline. Not counted in ClinVar's aggregate classification.

Clinical Genetics, Academic Medical Center
Classification: Benign. Review status: no assertion criteria provided. Collection method: clinical testing. Allele origin: germline. Affected: yes. Study: VKGL Data-share Consensus. Not counted in ClinVar's aggregate classification.

Diagnostic Laboratory, Department of Genetics, University Medical Center Groningen
Classification: Benign. Review status: no assertion criteria provided. Collection method: clinical testing. Allele origin: germline. Affected: yes. Study: VKGL Data-share Consensus. Not counted in ClinVar's aggregate classification.

Joint Genome Diagnostic Labs from Nijmegen and Maastricht, Radboudumc and MUMC+
Classification: Benign. Review status: no assertion criteria provided. Collection method: clinical testing. Allele origin: germline. Affected: yes. Study: VKGL Data-share Consensus. Not counted in ClinVar's aggregate classification.

NM_003982.4(SLC7A7):c.159G>A (p.Ser53=)

Gene: SLC7A7 (solute carrier family 7 member 7; minus strand). Cytogenetic location: 14q11.2.
Variant type: single nucleotide variant.
Coding change: c.159G>A on transcript NM_003982.4 (MANE Select); coding-DNA position 159, G replaced by A.
Protein change: p.Ser53=; no amino-acid change (serine 53 retained).
Molecular consequence: synonymous variant.
Genome position (GRCh38, 1-based): chr14:22,813,240, C>T on the plus strand (G>A on the coding strand, the complement: SLC7A7 is on the minus strand). VCF-style: chr14-22813240-C-T. GRCh37 (hg19) VCF-style: chr14-23282449-C-T.
Other names: p.S53S:TCG>TCA; p.Ser53=; c.159G>A, p.Ser53= (NM_001126105.3, NM_001126106.4).
Identifiers: ClinVar variation 139198 (VCV000139198.29), dbSNP rs1805059, ClinGen allele CA293601.
Genomic context (GRCh38, chr14:22,813,240, plus strand): 5'-CAGAGAGAGACCAAAGGAGGCACTGTATATGAGCACACCCTTGGGGGAAACAAAGATGCC[C>T]GAGCCGATCATGTTCCCCACAATCAGGCACACGCCGTTAAGCAGTGAGATCTCCTTCTTC-3'
Protein context (NP_003973.3, residues 43-63): VCLIVGNMIG[Ser53=]GIFVSPKGVL